The following is an entry in ClinVar:

NM_022101.4(STEEP1):c.32G>C (p.Cys11Ser)

Gene: STEEP1 (STING1 ER exit protein 1; minus strand). Cytogenetic location: Xq24.
Variant type: single nucleotide variant.
Coding change: c.32G>C on transcript NM_022101.4 (MANE Select); coding-DNA position 32, G replaced by C.
Protein change: p.Cys11Ser; replaces cysteine 11 with serine.
Molecular consequence: missense variant. On other transcripts: 5 prime UTR variant (1).
Genome position (GRCh38, 1-based): chrX:119,565,324, C>G on the plus strand (G>C on the coding strand, the complement: STEEP1 is on the minus strand). VCF-style: chrX-119565324-C-G. GRCh37 (hg19) VCF-style: chrX-118699287-C-G.
Other names: c.-223G>C (NM_001170569.1); c.32G>C, p.Cys11Ser (NM_001170570.2); short protein forms C11S.
Identifiers: ClinVar variation 3361616 (VCV003361616.1).

ClinVar aggregate classification (germline): Uncertain significance (1 of 4 stars; one submission).

gnomAD v4.1: 1 of 1,206,196 alleles (0.000083%); highest among the groups gnomAD compares: Non-Finnish European, 0.00011%; no homozygotes.

Submission:

GeneDx
Classification: Uncertain significance. Last evaluated: 2023-07-31. Review status: criteria provided, single submitter. Criteria: GeneDx Variant Classification Process June 2021. Collection method: clinical testing. Allele origin: germline. Affected: yes.
Comment: Not observed at significant frequency in large population cohorts (gnomAD); In silico analysis supports that this missense variant has a deleterious effect on protein structure/function; Has not been previously published as pathogenic or benign to our knowledge